The following is an entry in ClinVar:

NM_001142864.4(PIEZO1):c.4066C>T (p.Arg1356Cys)

Gene: PIEZO1 (piezo type mechanosensitive ion channel component 1 (Er blood group); minus strand). Cytogenetic location: 16q24.3.
Variant type: single nucleotide variant.
Coding change: c.4066C>T on transcript NM_001142864.4 (MANE Select); coding-DNA position 4066, C replaced by T.
Protein change: p.Arg1356Cys; replaces arginine 1356 with cysteine.
Molecular consequence: missense variant.
Genome position (GRCh38, 1-based): chr16:88,725,512, G>A on the plus strand (C>T on the coding strand, the complement: PIEZO1 is on the minus strand). VCF-style: chr16-88725512-G-A. GRCh37 (hg19) VCF-style: chr16-88791920-G-A.
Other names: p.Arg1356Cys; c.2608C>T, p.Arg870Cys (NM_014745.1); c.4066C>T (NM_001142864.2); short protein forms R1356C, R870C.
Identifiers: ClinVar variation 2434745 (VCV002434745.6), dbSNP rs374018271, ClinGen allele CA8232260.

ClinVar aggregate classification (germline): Conflicting classifications of pathogenicity. Review status: criteria provided, conflicting classifications (1 of 4 stars). 4 submissions from 4 submitters: Uncertain significance (3); Benign (1). Last evaluated 2025-07-24.

Conditions:
Lymphatic malformation 6 (LMPHM6). Also called: GENERALIZED LYMPHATIC DYSPLASIA OF FOTIOU; Lymphedema, hereditary, III; PIEZO1-related generalized lymphatic dysplasia with non-immune hydrops fetalis. Identifiers: Orphanet 568062, MedGen C4225184, MONDO:0014797, OMIM 616843.

Allele frequency attached by ClinVar (database versions not stated): TOPMed 0.00012; ExAC 0.00025; ESP Exome Variant Server 0.00044.
gnomAD v4.1: 49 of 1,535,482 alleles (0.0032%); highest among the groups gnomAD compares: African/African-American, 0.061%; no homozygotes.

Submissions (4):

Labcorp Genetics (formerly Invitae), Labcorp
Classification: Benign. Last evaluated: 2025-07-24. Review status: criteria provided, single submitter. Criteria: Invitae Variant Classification Sherloc (09022015). Collection method: clinical testing. Allele origin: germline.

Clinical Genomics Laboratory, Washington University in St. Louis
Classification: Uncertain significance for Lymphatic malformation 6. Last evaluated: 2025-03-07. Review status: criteria provided, single submitter. Criteria: ACMG Guidelines, 2015. Collection method: clinical testing. Allele origin: germline.
Comment: A PIEZO1 c.4066C>T (p.Arg1356Cys) variant was identified at a near heterozygous allelic fraction of 48.6%, a frequency which may be consistent with it being of germline origin. This variant, to our knowledge, has not been reported in the medical literature. It has been reported in the ClinVar database as a variant of uncertain significance in the germline state by two submitters (ClinVar Variation ID: 2434745). This variant is only observed on 49/1,535,482 alleles in the general population (gnomAD v4.1.0), indicating it is not a common variant. Computational predictors are uncertain as to the impact of this variant on PIEZO1 function. Due to limited information, and based on ACMG/AMP guidelines for variant interpretation (Richards S et al., PMID: 25741868), the clinical significance of this variant is uncertain at this time.

Revvity Omics, Revvity
Classification: Uncertain significance. Last evaluated: 2022-06-21. Review status: criteria provided, single submitter. Criteria: ACMG Guidelines, 2015. Collection method: clinical testing. Allele origin: germline.

Mayo Clinic Laboratories, Mayo Clinic
Classification: Uncertain significance. Last evaluated: 2022-03-30. Review status: criteria provided, single submitter. Criteria: ACMG Guidelines, 2015. Collection method: clinical testing. Allele origin: germline. Observed: 1 variant allele.